The following is an entry in ClinVar:

ClinVar aggregate classification (germline): Likely benign. Review status: criteria provided, single submitter (1 of 4 stars). 2 submissions from 1 submitter: Likely benign (2). Last evaluated 2018-01-13.

Conditions:
Adult-onset proximal spinal muscular atrophy, autosomal dominant. Also called: FINKEL LATE-ADULT TYPE SMA; Spinal muscular atrophy, late-onset, finkel type. Identifiers: Orphanet 209335, MedGen C1854058, MONDO:0008453, OMIM 182980.
Amyotrophic lateral sclerosis type 8 (ALS8). Identifiers: Orphanet 803, MedGen C1837728, MONDO:0012077, OMIM 608627.

Allele frequency attached by ClinVar (database versions not stated): 1000 Genomes Project 30x 0.00016; gnomAD exomes 0.00019 and 0.00035; 1000 Genomes Project 0.00020; gnomAD 0.00023 and 0.00024; TOPMed 0.00023; ExAC 0.00028.
gnomAD v4.1: 97 of 453,744 alleles (0.021%); highest among the groups gnomAD compares: East Asian, 0.27%; no homozygotes.

Submissions (2):

Illumina Laboratory Services, Illumina
Classification: Likely benign for Adult-onset proximal spinal muscular atrophy, autosomal dominant. Last evaluated: 2018-01-13. Review status: criteria provided, single submitter. Criteria: ICSL Variant Classification Criteria 13 December 2019. Collection method: clinical testing. Allele origin: germline.
Comment: This variant was observed in the ICSL laboratory as part of a predisposition screen in an ostensibly healthy population. It had not been previously curated by ICSL or reported in the Human Gene Mutation Database (HGMD: prior to June 1st, 2018), and was therefore a candidate for classification through an automated scoring system. Utilizing variant allele frequency, disease prevalence and penetrance estimates, and inheritance mode, an automated score was calculated to assess if this variant is too frequent to cause the disease. Based on the score and internal cut-off values, a variant classified as likely benign is not then subjected to further curation. The score for this variant resulted in a classification of likely benign for this disease.

Illumina Laboratory Services, Illumina
Classification: Likely benign for Amyotrophic lateral sclerosis type 8. Last evaluated: 2018-01-13. Review status: criteria provided, single submitter. Criteria: ICSL Variant Classification Criteria 13 December 2019. Collection method: clinical testing. Allele origin: germline.
Comment: the same text as in the submission from Illumina Laboratory Services, Illumina above.

NM_004738.5(VAPB):c.*3764C>T

Gene: VAPB (VAMP associated protein B and C; plus strand). Cytogenetic location: 20q13.32.
Variant type: single nucleotide variant.
Coding change: c.*3764C>T on transcript NM_004738.5 (MANE Select); 3764 bases downstream of the stop codon, C replaced by T.
Molecular consequence: 3 prime UTR variant. On other transcripts: non-coding transcript variant (1).
Genome position (GRCh38, 1-based): chr20:58,447,999, C>T. VCF-style: chr20-58447999-C-T. GRCh37 (hg19) VCF-style: chr20-57023055-C-T.
Other names: c.*3834C>T (NM_001195677.2).
Identifiers: ClinVar variation 338980 (VCV000338980.6), dbSNP rs376626781, ClinGen allele CA9924553.